The following is an entry in ClinVar:

ClinVar aggregate classification (germline): Uncertain significance (1 of 4 stars; one submission).

Conditions:
Hereditary cancer-predisposing syndrome. Also called: Neoplastic Syndromes, Hereditary; Tumor predisposition; Hereditary neoplastic syndrome; Hereditary Cancer Syndrome. Identifiers: Orphanet 140162, MedGen C0027672, MeSH D009386, MONDO:0015356.

Submission:

Ambry Genetics
Classification: Uncertain significance for Hereditary cancer-predisposing syndrome. Last evaluated: 2025-03-18. Review status: criteria provided, single submitter. Criteria: Ambry Variant Classification Scheme 2023. Collection method: clinical testing. Allele origin: germline.
Comment: The p.V781A variant (also known as c.2342T>C), located in coding exon 9 of the MET gene, results from a T to C substitution at nucleotide position 2342. The valine at codon 781 is replaced by alanine, an amino acid with similar properties. This amino acid position is conserved. In addition, this alteration is predicted to be tolerated by in silico analysis. Based on the available evidence, the clinical significance of this variant remains unclear.

NM_000245.4(MET):c.2288T>C (p.Val763Ala)

Gene: MET (MET proto-oncogene, receptor tyrosine kinase; plus strand). Cytogenetic location: 7q31.2.
Variant type: single nucleotide variant.
Coding change: c.2288T>C on transcript NM_000245.4 (MANE Select); coding-DNA position 2288, T replaced by C.
Protein change: p.Val763Ala; replaces valine 763 with alanine.
Molecular consequence: missense variant.
Genome position (GRCh38, 1-based): chr7:116,759,414, T>C. VCF-style: chr7-116759414-T-C. GRCh37 (hg19) VCF-style: chr7-116399468-T-C.
Other names: c.2342T>C, p.Val781Ala (NM_001127500.3); c.2288T>C, p.Val763Ala (NM_001324401.3); c.998T>C, p.Val333Ala (NM_001324402.2); short protein forms V763A, V781A, V333A.
Identifiers: ClinVar variation 4053920 (VCV004053920.1).